The following is an entry in ClinVar:

ClinVar aggregate classification (germline): Likely benign (1 of 4 stars; one submission).

Allele frequency attached by ClinVar (database versions not stated): gnomAD 0.00001; TOPMed 0.00001.
gnomAD v4.1: 6 of 1,614,060 alleles (0.00037%); highest among the groups gnomAD compares: South Asian, 0.0011%; no homozygotes.

Submission:

CeGaT Center for Human Genetics Tuebingen
Classification: Likely benign. Last evaluated: 2024-02-01. Review status: criteria provided, single submitter. Criteria: CeGaT Center For Human Genetics Tuebingen Variant Classification Criteria Version 2. Collection method: clinical testing. Allele origin: germline. Affected: yes. Observed: 1 variant allele.
Comment: FSHR: BP4, BP7

NM_000145.4(FSHR):c.1365G>C (p.Leu455=)

Gene: FSHR (follicle stimulating hormone receptor; minus strand). Cytogenetic location: 2p16.3.
Variant type: single nucleotide variant.
Coding change: c.1365G>C on transcript NM_000145.4 (MANE Select); coding-DNA position 1365, G replaced by C.
Protein change: p.Leu455=; no amino-acid change (leucine 455 retained).
Molecular consequence: synonymous variant.
Genome position (GRCh38, 1-based): chr2:48,963,456, C>G on the plus strand (G>C on the coding strand, the complement: FSHR is on the minus strand). VCF-style: chr2-48963456-C-G. GRCh37 (hg19) VCF-style: chr2-49190595-C-G.
Other names: c.1287G>C, p.Leu429= (NM_181446.3).
Identifiers: ClinVar variation 3027273 (VCV003027273.22), dbSNP rs1274049378, ClinGen allele CA426125724.